The following is an entry in ClinVar:

NM_001961.4(EEF2):c.433C>T (p.Gln145Ter)

Gene: EEF2 (eukaryotic translation elongation factor 2; minus strand). Cytogenetic location: 19p13.3.
Variant type: single nucleotide variant.
Coding change: c.433C>T on transcript NM_001961.4 (MANE Select); coding-DNA position 433, C replaced by T.
Protein change: p.Gln145Ter; replaces glutamine 145 with a stop codon.
Molecular consequence: nonsense.
Genome position (GRCh38, 1-based): chr19:3,982,986, G>A on the plus strand (C>T on the coding strand, the complement: EEF2 is on the minus strand). VCF-style: chr19-3982986-G-A. GRCh37 (hg19) VCF-style: chr19-3982984-G-A.
Other names: short protein forms Q145*.
Identifiers: ClinVar variation 1315717 (VCV001315717.3), dbSNP rs2145365556, ClinGen allele CA403394920.

ClinVar aggregate classification (germline): Likely pathogenic (1 of 4 stars; one submission).

Submission:

GeneDx
Classification: Likely pathogenic. Last evaluated: 2022-05-18. Review status: criteria provided, single submitter. Criteria: GeneDx Variant Classification Process June 2021. Collection method: clinical testing. Allele origin: germline. Affected: yes.
Comment: Nonsense variant predicted to result in protein truncation or nonsense mediated decay in a gene for which loss-of-function is not a known mechanism of disease; Not observed in large population cohorts (gnomAD); Has not been previously published as pathogenic or benign to our knowledge